The following is an entry in ClinVar:

NM_032977.4(CASP10):c.923-4A>G

Gene: CASP10 (caspase 10; plus strand). Cytogenetic location: 2q33.1.
Variant type: single nucleotide variant.
Coding change: c.923-4A>G on transcript NM_032977.4 (MANE Select); 4 bases into the intron before coding-DNA position 923, A replaced by G.
Molecular consequence: intron variant.
Genome position (GRCh38, 1-based): chr2:201,209,066, A>G. VCF-style: chr2-201209066-A-G. GRCh37 (hg19) VCF-style: chr2-202073789-A-G.
Other names: c.923-4A>G (NM_032974.5); c.794-4A>G (NM_001206542.2, NM_001230.5); c.*9-4A>G (NM_032976.4); c.722-4A>G (NM_001206524.2).
Identifiers: ClinVar variation 1393482 (VCV001393482.6), dbSNP rs1559308787, ClinGen allele CA539378784.

ClinVar aggregate classification (germline): Uncertain significance (1 of 4 stars; one submission).

Conditions:
Autoimmune lymphoproliferative syndrome type 2A (ALPS2A). Also called: AUTOIMMUNE LYMPHOPROLIFERATIVE SYNDROME, TYPE IIA; CASP10-Related Autoimmune Lymphoproliferative Syndrome; Autoimmune lymphoproliferative syndrome type 2. Identifiers: Orphanet 3261, MedGen C1858968, MONDO:0011383, OMIM 603909.

Allele frequency attached by ClinVar (database versions not stated): gnomAD exomes below 0.00001.
gnomAD v4.1: 1 of 1,589,520 alleles (0.000063%); highest among the groups gnomAD compares: East Asian, 0.0022%; no homozygotes.

Submission:

Labcorp Genetics (formerly Invitae), Labcorp
Classification: Uncertain significance for Autoimmune lymphoproliferative syndrome type 2A. Last evaluated: 2023-03-08. Review status: criteria provided, single submitter. Criteria: Invitae Variant Classification Sherloc (09022015). Collection method: clinical testing. Allele origin: germline.
Comment: This sequence change falls in intron 8 of the CASP10 gene. It does not directly change the encoded amino acid sequence of the CASP10 protein. This variant is present in population databases (no rsID available, gnomAD 0.006%). This variant has not been reported in the literature in individuals affected with CASP10-related conditions. ClinVar contains an entry for this variant (Variation ID: 1393482). Algorithms developed to predict the effect of sequence changes on RNA splicing suggest that this variant may create or strengthen a splice site. In summary, the available evidence is currently insufficient to determine the role of this variant in disease. Therefore, it has been classified as a Variant of Uncertain Significance.